The following is an entry in ClinVar:

NM_000138.5(FBN1):c.7939C>T (p.Gln2647Ter)

Gene: FBN1 (fibrillin 1; minus strand). Cytogenetic location: 15q21.1.
Variant type: single nucleotide variant.
Coding change: c.7939C>T on transcript NM_000138.5 (MANE Select); coding-DNA position 7939, C replaced by T.
Protein change: p.Gln2647Ter; replaces glutamine 2647 with a stop codon.
Molecular consequence: nonsense.
Genome position (GRCh38, 1-based): chr15:48,415,648, G>A on the plus strand (C>T on the coding strand, the complement: FBN1 is on the minus strand). VCF-style: chr15-48415648-G-A. GRCh37 (hg19) VCF-style: chr15-48707845-G-A.
Other names: short protein forms Q2647*.
Identifiers: ClinVar variation 263644 (VCV000263644.5), dbSNP rs886038870, ClinGen allele CA10587786.

ClinVar aggregate classification (germline): Pathogenic (1 of 4 stars; one submission).

Conditions:
Familial thoracic aortic aneurysm and aortic dissection (TAAD). Also called: Thoracic aortic aneurysms and dissections. Identifiers: Orphanet 91387, MedGen C4707243, MONDO:0019625.

Submission:

Ambry Genetics
Classification: Pathogenic for Familial thoracic aortic aneurysm and aortic dissection. Last evaluated: 2019-10-17. Review status: criteria provided, single submitter. Criteria: Ambry Variant Classification Scheme 2023. Collection method: clinical testing. Allele origin: germline.
Comment: The p.Q2647* pathogenic mutation (also known as c.7939C>T), located in coding exon 63 of the FBN1 gene, results from a C to T substitution at nucleotide position 7939. This changes the amino acid from a glutamine to a stop codon within coding exon 63. This alteration is expected to result in loss of function by premature protein truncation or nonsense-mediated mRNA decay. As such, this alteration is interpreted as a disease-causing mutation.

Literature cited by the submitters: PubMed 28152038.